The following is an entry in ClinVar:

NM_006361.6(HOXB13):c.445G>A (p.Val149Met)

Gene: HOXB13 (homeobox B13; minus strand). Cytogenetic location: 17q21.32.
Variant type: single nucleotide variant.
Coding change: c.445G>A on transcript NM_006361.6 (MANE Select); coding-DNA position 445, G replaced by A.
Protein change: p.Val149Met; replaces valine 149 with methionine.
Molecular consequence: missense variant.
Genome position (GRCh38, 1-based): chr17:48,728,149, C>T on the plus strand (G>A on the coding strand, the complement: HOXB13 is on the minus strand). VCF-style: chr17-48728149-C-T. GRCh37 (hg19) VCF-style: chr17-46805511-C-T.
Other names: short protein forms V149M.
Identifiers: ClinVar variation 824905 (VCV000824905.14), dbSNP rs1597934198, ClinGen allele CA400107439.

ClinVar aggregate classification (germline): Uncertain significance. Review status: criteria provided, multiple submitters, no conflicts (2 of 4 stars). 3 submissions from 3 submitters: Uncertain significance (3). Last evaluated 2025-07-20.

Conditions:
Hereditary cancer-predisposing syndrome. Also called: Neoplastic Syndromes, Hereditary; Tumor predisposition; Hereditary neoplastic syndrome; Hereditary Cancer Syndrome. Identifiers: Orphanet 140162, MedGen C0027672, MeSH D009386, MONDO:0015356.
Prostate cancer, hereditary, 9 (HPC9). Identifiers: Orphanet 1331, MedGen C1970250, MONDO:0012597, OMIM 610997.

Allele frequency attached by ClinVar (database versions not stated): gnomAD exomes 0.00001.
gnomAD v4.1: 17 of 1,614,200 alleles (0.0011%); highest among the groups gnomAD compares: Non-Finnish European, 0.0014%; no homozygotes.

Submissions (3):

Ambry Genetics
Classification: Uncertain significance for Hereditary cancer-predisposing syndrome. Last evaluated: 2025-07-20. Review status: criteria provided, single submitter. Criteria: Ambry Variant Classification Scheme 2023. Collection method: clinical testing. Allele origin: germline.
Comment: The p.V149M variant (also known as c.445G>A), located in coding exon 1 of the HOXB13 gene, results from a G to A substitution at nucleotide position 445. The valine at codon 149 is replaced by methionine, an amino acid with highly similar properties. This amino acid position is highly conserved in available vertebrate species. In addition, the in silico prediction for this alteration is inconclusive. Since supporting evidence is limited at this time, the clinical significance of this alteration remains unclear.

Labcorp Genetics (formerly Invitae), Labcorp
Classification: Uncertain significance. Last evaluated: 2024-05-06. Review status: criteria provided, single submitter. Criteria: Invitae Variant Classification Sherloc (09022015). Collection method: clinical testing. Allele origin: germline.
Comment: This sequence change replaces valine, which is neutral and non-polar, with methionine, which is neutral and non-polar, at codon 149 of the HOXB13 protein (p.Val149Met). This variant is not present in population databases (gnomAD no frequency). This variant has not been reported in the literature in individuals affected with HOXB13-related conditions. ClinVar contains an entry for this variant (Variation ID: 824905). Advanced modeling of protein sequence and biophysical properties (such as structural, functional, and spatial information, amino acid conservation, physicochemical variation, residue mobility, and thermodynamic stability) performed at Invitae indicates that this missense variant is not expected to disrupt HOXB13 protein function with a negative predictive value of 80%. In summary, the available evidence is currently insufficient to determine the role of this variant in disease. Therefore, it has been classified as a Variant of Uncertain Significance.

Department of Pathology and Laboratory Medicine, Sinai Health System
Classification: Uncertain significance for Prostate cancer, hereditary, 9. Last evaluated: 2022-09-21. Review status: criteria provided, single submitter. Criteria: ACMG Guidelines, 2015. Collection method: clinical testing. Allele origin: germline. Affected: yes.